The following is an entry in ClinVar:

NM_000094.4(COL7A1):c.2941A>G (p.Arg981Gly)

Gene: COL7A1 (collagen type VII alpha 1 chain; minus strand). Cytogenetic location: 3p21.31.
Variant type: single nucleotide variant.
Coding change: c.2941A>G on transcript NM_000094.4 (MANE Select); coding-DNA position 2941, A replaced by G.
Protein change: p.Arg981Gly; replaces arginine 981 with glycine.
Molecular consequence: missense variant.
Genome position (GRCh38, 1-based): chr3:48,587,471, T>C on the plus strand (A>G on the coding strand, the complement: COL7A1 is on the minus strand). VCF-style: chr3-48587471-T-C. GRCh37 (hg19) VCF-style: chr3-48624904-T-C.
Other names: short protein forms R981G.
Identifiers: ClinVar variation 4739751 (VCV004739751.1).

ClinVar aggregate classification (germline): Uncertain significance (1 of 4 stars; one submission).

gnomAD v4.1: 6 of 1,613,260 alleles (0.00037%); highest among the groups gnomAD compares: Admixed American, 0.0033%; no homozygotes.

Submission:

Labcorp Genetics (formerly Invitae), Labcorp
Classification: Uncertain significance. Last evaluated: 2025-10-17. Review status: criteria provided, single submitter. Criteria: Invitae Variant Classification Sherloc (09022015). Collection method: clinical testing. Allele origin: germline.
Comment: This sequence change replaces arginine, which is basic and polar, with glycine, which is neutral and non-polar, at codon 981 of the COL7A1 protein (p.Arg981Gly). This variant is present in population databases (rs781105495, gnomAD 0.006%). This variant has not been reported in the literature in individuals affected with COL7A1-related conditions. Invitae Evidence Modeling of protein sequence and biophysical properties (such as structural, functional, and spatial information, amino acid conservation, physicochemical variation, residue mobility, and thermodynamic stability) indicates that this missense variant is not expected to disrupt COL7A1 protein function with a negative predictive value of 95%. In summary, the available evidence is currently insufficient to determine the role of this variant in disease. Therefore, it has been classified as a Variant of Uncertain Significance.